The following is an entry in ClinVar:

ClinVar aggregate classification (germline): Uncertain significance (1 of 4 stars; one submission).

Submission:

Labcorp Genetics (formerly Invitae), Labcorp
Classification: Uncertain significance. Last evaluated: 2022-07-17. Review status: criteria provided, single submitter. Criteria: Invitae Variant Classification Sherloc (09022015). Collection method: clinical testing. Allele origin: germline.
Comment: Algorithms developed to predict the effect of missense changes on protein structure and function (SIFT, PolyPhen-2, Align-GVGD) all suggest that this variant is likely to be tolerated. This sequence change replaces proline, which is neutral and non-polar, with leucine, which is neutral and non-polar, at codon 47 of the ABHD5 protein (p.Pro47Leu). This variant is not present in population databases (gnomAD no frequency). This variant has not been reported in the literature in individuals affected with ABHD5-related conditions. In summary, the available evidence is currently insufficient to determine the role of this variant in disease. Therefore, it has been classified as a Variant of Uncertain Significance.

NM_016006.6(ABHD5):c.140C>T (p.Pro47Leu)

Gene: ABHD5 (abhydrolase domain containing 5, lysophosphatidic acid acyltransferase; plus strand). Cytogenetic location: 3p21.33.
Variant type: single nucleotide variant.
Coding change: c.140C>T on transcript NM_016006.6 (MANE Select); coding-DNA position 140, C replaced by T.
Protein change: p.Pro47Leu; replaces proline 47 with leucine.
Molecular consequence: missense variant. On other transcripts: non-coding transcript variant (1).
Genome position (GRCh38, 1-based): chr3:43,702,221, C>T. VCF-style: chr3-43702221-C-T. GRCh37 (hg19) VCF-style: chr3-43743713-C-T.
Other names: c.140C>T, p.Pro47Leu (NM_001355186.2, NM_001365650.1); c.17C>T, p.Pro6Leu (NM_001365649.1); short protein forms P47L, P6L.
Identifiers: ClinVar variation 1946580 (VCV001946580.5), dbSNP rs2528736421, ClinGen allele CA352344893.